The following is an entry in ClinVar:

NM_006267.5(RANBP2):c.612T>G (p.Asn204Lys)

Gene: RANBP2 (RAN binding protein 2; plus strand). Cytogenetic location: 2q13.
Variant type: single nucleotide variant.
Coding change: c.612T>G on transcript NM_006267.5 (MANE Select); coding-DNA position 612, T replaced by G.
Protein change: p.Asn204Lys; replaces asparagine 204 with lysine.
Molecular consequence: missense variant.
Genome position (GRCh38, 1-based): chr2:108,735,738, T>G. VCF-style: chr2-108735738-T-G. GRCh37 (hg19) VCF-style: chr2-109352194-T-G.
Other names: c.612T>G (NM_006267.4); short protein forms N204K.
Identifiers: ClinVar variation 1018546 (VCV001018546.11), dbSNP rs994626423, ClinGen allele CA53430303.

ClinVar aggregate classification (germline): Uncertain significance. Review status: criteria provided, multiple submitters, no conflicts (2 of 4 stars). 3 submissions from 3 submitters: Uncertain significance (3). Last evaluated 2026-03-01.

Conditions:
Familial acute necrotizing encephalopathy (IIAE3). Also called: ENCEPHALOPATHY, ACUTE, INFECTION-INDUCED, SUSCEPTIBILITY TO, 3; Susceptibility to Acute Necrotizing Encephalopathy 1. Identifiers: Orphanet 88619, MedGen C2675556, MONDO:0011953, OMIM 608033.

Allele frequency attached by ClinVar (database versions not stated): gnomAD exomes 0.00004; TOPMed 0.00005.
gnomAD v4.1: 132 of 1,597,478 alleles (0.0083%); highest among the groups gnomAD compares: Non-Finnish European, 0.01%; no homozygotes.

Submissions (3):

CeGaT Center for Human Genetics Tuebingen
Classification: Uncertain significance. Last evaluated: 2026-03-01. Review status: criteria provided, single submitter. Criteria: CeGaT Center For Human Genetics Tuebingen Variant Classification Criteria Version 2. Collection method: clinical testing. Allele origin: germline. Affected: yes. Observed: 1 variant allele.

Ambry Genetics
Classification: Uncertain significance. Last evaluated: 2023-04-11. Review status: criteria provided, single submitter. Criteria: Ambry Variant Classification Scheme 2023. Collection method: clinical testing. Allele origin: germline.

Labcorp Genetics (formerly Invitae), Labcorp
Classification: Uncertain significance for Familial acute necrotizing encephalopathy. Last evaluated: 2020-06-02. Review status: criteria provided, single submitter. Criteria: Invitae Variant Classification Sherloc (09022015). Collection method: clinical testing. Allele origin: germline.
Comment: In summary, the available evidence is currently insufficient to determine the role of this variant in disease. Therefore, it has been classified as a Variant of Uncertain Significance. Algorithms developed to predict the effect of missense changes on protein structure and function (SIFT, PolyPhen-2, Align-GVGD) all suggest that this variant is likely to be tolerated, but these predictions have not been confirmed by published functional studies and their clinical significance is uncertain. This variant has not been reported in the literature in individuals with RANBP2-related conditions. This variant is not present in population databases (ExAC no frequency). This sequence change replaces asparagine with lysine at codon 204 of the RANBP2 protein (p.Asn204Lys). The asparagine residue is highly conserved and there is a moderate physicochemical difference between asparagine and lysine.